The following is an entry in ClinVar:

ClinVar aggregate classification (germline): Uncertain significance. Review status: criteria provided, multiple submitters, no conflicts (2 of 4 stars). 2 submissions from 2 submitters: Uncertain significance (2). Last evaluated 2026-01-12.

Conditions:
Hereditary cancer-predisposing syndrome. Also called: Neoplastic Syndromes, Hereditary; Tumor predisposition; Hereditary Cancer Syndrome; Hereditary neoplastic syndrome. Identifiers: Orphanet 140162, MedGen C0027672, MeSH D009386, MONDO:0015356.

gnomAD v4.1: 2 of 1,613,684 alleles (0.00012%); highest among the groups gnomAD compares: South Asian, 0.0011%; no homozygotes.

Submissions (2):

Ambry Genetics
Classification: Uncertain significance for Hereditary cancer-predisposing syndrome. Last evaluated: 2026-01-12. Review status: criteria provided, single submitter. Criteria: Ambry Variant Classification Scheme 2023. Collection method: clinical testing. Allele origin: germline.
Comment: The p.T76P variant (also known as c.226A>C), located in coding exon 3 of the NBN gene, results from an A to C substitution at nucleotide position 226. The threonine at codon 76 is replaced by proline, an amino acid with highly similar properties. This amino acid position is conserved. In addition, this alteration is predicted to be deleterious by in silico analysis. Based on the available evidence, the clinical significance of this variant remains unclear.

GeneDx
Classification: Uncertain significance. Last evaluated: 2025-05-23. Review status: criteria provided, single submitter. Criteria: GeneDx Variant Classification Process June 2021. Collection method: clinical testing. Allele origin: germline. Affected: yes.
Comment: Not observed at significant frequency in large population cohorts (gnomAD); In silico analysis supports that this missense variant has a deleterious effect on protein structure/function; Has not been previously published as pathogenic or benign to our knowledge; This variant is associated with the following publications: (PMID: 24894818)

NM_002485.5(NBN):c.226A>C (p.Thr76Pro)

Gene: NBN (nibrin; minus strand). Cytogenetic location: 8q21.3.
Variant type: single nucleotide variant.
Coding change: c.226A>C on transcript NM_002485.5 (MANE Select); coding-DNA position 226, A replaced by C.
Protein change: p.Thr76Pro; replaces threonine 76 with proline.
Molecular consequence: missense variant. On other transcripts: 5 prime UTR variant (3).
Genome position (GRCh38, 1-based): chr8:89,981,469, T>G on the plus strand (A>C on the coding strand, the complement: NBN is on the minus strand). VCF-style: chr8-89981469-T-G. GRCh37 (hg19) VCF-style: chr8-90993697-T-G.
Other names: c.-21A>C (NM_001024688.3, NM_001440379.1, NM_001440380.1); short protein forms T76P.
Identifiers: ClinVar variation 4530781 (VCV004530781.2).
Genomic context (GRCh38, chr8:89,981,469, plus strand): 5'-CATCCCCCGACTTCAAAGTTCGGGAAAAGCCATTCTGCATTTTTTCCTCATTAACAAAGG[T>G]ACCATACTTAGAATTATCTTTTAATGTCAATACAGGGATTTCATCTGTTTGACTCTGAAA-3'
Protein context (NP_002476.2, residues 66-86): LTLKDNSKYG[Thr76Pro]FVNEEKMQNG